The following is an entry in ClinVar:

NM_000616.5(CD4):c.793C>T (p.Arg265Trp)

Gene: CD4 (CD4 molecule; plus strand). Cytogenetic location: 12p13.31.
Variant type: single nucleotide variant.
Coding change: c.793C>T on transcript NM_000616.5 (MANE Select); coding-DNA position 793, C replaced by T.
Protein change: p.Arg265Trp; replaces arginine 265 with tryptophan.
Molecular consequence: missense variant. On other transcripts: 5 prime UTR variant (3).
Genome position (GRCh38, 1-based): chr12:6,816,241, C>T. VCF-style: chr12-6816241-C-T. GRCh37 (hg19) VCF-style: chr12-6925407-C-T.
Other names: R240W; c.256C>T, p.Arg86Trp (NM_001195014.3); c.-27C>T (NM_001195015.3, NM_001195016.3, NM_001195017.3); short protein forms R265W, R86W.
Identifiers: ClinVar variation 29898 (VCV000029898.9), dbSNP rs28919570, ClinGen allele CA128722.

ClinVar aggregate classification (germline): Benign. Review status: criteria provided, multiple submitters, no conflicts (2 of 4 stars). 5 submissions from 5 submitters: Benign (2). 3 of the submissions do not count toward it. Last evaluated 2020-10-28.

Conditions:
CD4-related disorder. Also called: CD4-related condition.
Okt4 epitope deficiency. Also called: T4 EPITOPE DEFICIENCY. Identifiers: MedGen C3151379, MONDO:0013497, OMIM 613949.

Allele frequency attached by ClinVar (database versions not stated): gnomAD exomes 0.00816 and 0.01906; ExAC 0.02201; gnomAD 0.06026 and 0.06389; TOPMed 0.06893; ESP Exome Variant Server 0.06981; 1000 Genomes Project 0.07228; 1000 Genomes Project 30x 0.07573.
gnomAD v4.1: 21,521 of 1,614,120 alleles (1.3%); highest among the groups gnomAD compares: African/African-American, 20%; 1,611 homozygotes.

Submissions (5):

H3Africa Consortium
Classification: Benign. Last evaluated: 2020-10-28. Review status: criteria provided, single submitter. Criteria: Choudhury A et al. (Nature 2020). Collection method: research. Allele origin: germline. Study: H3Africa.
Comment: While the frequency of the alternate allele in gnoMAD v2.0.2 is 0.188, its frequency in African populations is >5%. This suggests that previous classifications of this variant as pathogenic are in error.

Breakthrough Genomics
Classification: Benign. Review status: criteria provided, single submitter. Criteria: ACMG Guidelines, 2015. Collection method: not provided. Allele origin: germline. Inheritance: Autosomal recessive inheritance. Affected: yes.

Reproductive Health Research and Development, BGI Genomics
Classification: Benign for Okt4 epitope deficiency. Last evaluated: 2020-01-06. Review status: no assertion criteria provided. Collection method: curation. Allele origin: germline. Not counted in ClinVar's aggregate classification.
Comment: NM_000616.4:c.793C>T (p.Arg265Trp) in the gene CD4 was reported as c.867G>A (p.Arg240Trp). Hodge et al reported this variant in a OKT4-Epitope deficiency patient (PMID: 1708753). In addition, Takenaka et al. reported homozygosity of this variant in patients with OKT4 epitope deficiency (PMID: 7689618). It has an allele frequency of 0.201 in African subpopulation in the gnomAD database. 516 homozygous occurrences are observed in the gnomAD database. This evidence suggests the variant to be classified as benign. ACMG/AMP criteria applied: BA1; BS2; PM3_Supporting; PP4.

PreventionGenetics, part of Exact Sciences
Classification: Benign for CD4-related condition. Last evaluated: 2019-12-20. Review status: no assertion criteria provided. Collection method: clinical testing. Allele origin: germline. Not counted in ClinVar's aggregate classification.
Comment: This variant is classified as benign based on ACMG/AMP sequence variant interpretation guidelines (Richards et al. 2015 PMID: 25741868, with internal and published modifications).

OMIM
Classification: Pathogenic for OKT4 EPITOPE DEFICIENCY. Last evaluated: 1993-09-01. Review status: no assertion criteria provided. Collection method: literature only. Allele origin: germline. Not counted in ClinVar's aggregate classification.

Literature cited by the submitters: PubMed 1708753 (cited by OMIM); PubMed 1961196 (cited by OMIM); PubMed 7689618 (cited by OMIM).